The following is an entry in ClinVar:

NM_000179.3(MSH6):c.1904G>C (p.Arg635Thr)

Gene: MSH6 (mutS homolog 6; plus strand). Cytogenetic location: 2p16.3.
Variant type: single nucleotide variant.
Coding change: c.1904G>C on transcript NM_000179.3 (MANE Select); coding-DNA position 1904, G replaced by C.
Protein change: p.Arg635Thr; replaces arginine 635 with threonine.
Molecular consequence: missense variant.
Genome position (GRCh38, 1-based): chr2:47,799,887, G>C. VCF-style: chr2-47799887-G-C. GRCh37 (hg19) VCF-style: chr2-48027026-G-C.
Other names: c.1514G>C, p.Arg505Thr (NM_001281492.2); c.998G>C, p.Arg333Thr (NM_001281493.2, NM_001281494.2, NM_001406811.1 and 6 more transcripts); c.2000G>C, p.Arg667Thr (NM_001406795.1, NM_001406802.1); c.1904G>C, p.Arg635Thr (NM_001406796.1, NM_001406798.1, NM_001406800.1 and 3 more transcripts); c.1607G>C, p.Arg536Thr (NM_001406797.1, NM_001406801.1, NM_001406805.1 and 10 more transcripts); c.1379G>C, p.Arg460Thr (NM_001406799.1, NM_001406806.1, NM_001406807.1); c.1826G>C, p.Arg609Thr (NM_001406804.1); c.1910G>C, p.Arg637Thr (NM_001406813.1); and 1 more; short protein forms R460T, R635T, R637T, R667T, R609T, R333T, R536T, R579T.
Identifiers: ClinVar variation 2124013 (VCV002124013.5), dbSNP rs1558663439, ClinGen allele CA346750133.

ClinVar aggregate classification (germline): Uncertain significance. Review status: criteria provided, multiple submitters, no conflicts (2 of 4 stars). 2 submissions from 2 submitters: Uncertain significance (2). Last evaluated 2024-10-29.

Conditions:
Hereditary nonpolyposis colorectal neoplasms. Identifiers: MedGen C0009405, MeSH D003123.
Hereditary cancer-predisposing syndrome. Also called: Hereditary Cancer Syndrome; Tumor predisposition; Neoplastic Syndromes, Hereditary; Hereditary neoplastic syndrome. Identifiers: Orphanet 140162, MedGen C0027672, MeSH D009386, MONDO:0015356.

Submissions (2):

Ambry Genetics
Classification: Uncertain significance for Hereditary cancer-predisposing syndrome. Last evaluated: 2024-10-29. Review status: criteria provided, single submitter. Criteria: Ambry Variant Classification Scheme 2023. Collection method: clinical testing. Allele origin: germline.
Comment: The p.R635T variant (also known as c.1904G>C), located in coding exon 4 of the MSH6 gene, results from a G to C substitution at nucleotide position 1904. The arginine at codon 635 is replaced by threonine, an amino acid with similar properties. This amino acid position is not well conserved in available vertebrate species. In addition, this alteration is predicted to be tolerated by in silico analysis. Based on the available evidence, the clinical significance of this variant remains unclear.

Labcorp Genetics (formerly Invitae), Labcorp
Classification: Uncertain significance for Hereditary nonpolyposis colorectal neoplasms. Last evaluated: 2022-05-11. Review status: criteria provided, single submitter. Criteria: Invitae Variant Classification Sherloc (09022015). Collection method: clinical testing. Allele origin: germline.
Comment: This variant has not been reported in the literature in individuals affected with MSH6-related conditions. In summary, the available evidence is currently insufficient to determine the role of this variant in disease. Therefore, it has been classified as a Variant of Uncertain Significance. Advanced modeling of protein sequence and biophysical properties (such as structural, functional, and spatial information, amino acid conservation, physicochemical variation, residue mobility, and thermodynamic stability) performed at Invitae indicates that this missense variant is not expected to disrupt MSH6 protein function. This variant is not present in population databases (gnomAD no frequency). This sequence change replaces arginine, which is basic and polar, with threonine, which is neutral and polar, at codon 635 of the MSH6 protein (p.Arg635Thr).

Literature cited by the submitters: PubMed 35482138 (cited by Ambry Genetics).